The following is an entry in ClinVar:

ClinVar aggregate classification (germline): Uncertain significance. Review status: criteria provided, single submitter (1 of 4 stars). 2 submissions from 2 submitters: Uncertain significance (1). 1 of the submissions does not count toward it. Last evaluated 2024-12-16.

Conditions:
Spongy degeneration of central nervous system. Also called: Canavan disease; Von Bogaert-Bertrand disease; ACY2 DEFICIENCY; AMINOACYLASE 2 DEFICIENCY; ASP DEFICIENCY; ASPA DEFICIENCY. Identifiers: Orphanet 141, MedGen C0206307, MONDO:0010079, OMIM 271900.

Submissions (2):

Women's Health and Genetics/Laboratory Corporation of America, LabCorp
Classification: Uncertain significance. Last evaluated: 2024-12-16. Review status: criteria provided, single submitter. Criteria: LabCorp Variant Classification Summary - May 2015. Collection method: clinical testing. Allele origin: germline.
Comment: Variant summary: ASPA c.839C>T (p.Pro280Leu) results in a non-conservative amino acid change located in the AstE/AspA barrel-sandwich hybrid domain (IPR007036) of the encoded protein sequence. Five of five in-silico tools predict a damaging effect of the variant on protein function. The variant was absent in 251408 control chromosomes. c.839C>T has been reported in the literature in individuals affected with Canavan Disease (example:Elpeleg_1999). A different variant affecting the same codon has been classified Pathogenic in ClinVar (c.839C>T (p.Pro280Leu)), supporting the critical relevance of codon 280 to ASPA protein function. The following publication has been ascertained in the context of this evaluation (PMID: 10407784). ClinVar contains an entry for this variant (Variation ID: 550525). Based on the evidence outlined above, the variant was classified as VUS-possibly pathogenic.

Counsyl
Classification: Uncertain significance for Spongy degeneration of central nervous system. Last evaluated: 2017-01-27. Review status: no assertion criteria provided. Collection method: clinical testing. Allele origin: unknown. Not counted in ClinVar's aggregate classification.

Literature cited by the submitters: PubMed 10407784 (cited by Women's Health and Genetics/Laboratory Corporation of America, LabCorp and Counsyl).

NM_000049.4(ASPA):c.839C>T (p.Pro280Leu)

Genes: ASPA (aspartoacylase; plus strand), SPATA22 (spermatogenesis associated 22; minus strand). Cytogenetic location: 17p13.2.
Variant type: single nucleotide variant.
Coding change: c.839C>T on transcript NM_000049.4 (MANE Select); coding-DNA position 839, C replaced by T.
Protein change: p.Pro280Leu; replaces proline 280 with leucine.
Molecular consequence: missense variant. On other transcripts: intron variant (2).
Genome position (GRCh38, 1-based): chr17:3,498,985, C>T. VCF-style: chr17-3498985-C-T. GRCh37 (hg19) VCF-style: chr17-3402279-C-T.
Other names: c.839C>T, p.Pro280Leu (NM_001128085.1); c.-74+14427G>A (NM_001321336.2, NM_001321337.2); short protein forms P280L.
Identifiers: ClinVar variation 550525 (VCV000550525.5), dbSNP rs1555541310, ClinGen allele CA397687622.